The following is an entry in ClinVar:

ClinVar aggregate classification (germline): Uncertain significance (1 of 4 stars; one submission).

Conditions:
Heterotaxy, visceral, 1, X-linked (HTX1). Also called: DEXTROCARDIA WITH OTHER CARDIAC MALFORMATIONS; Laterality, X-linked; Visceral heterotaxia; SITUS INVERSUS, COMPLEX CARDIAC DEFECTS, AND SPLENIC DEFECTS, X-LINKED. Identifiers: Orphanet 450, MedGen C1844020, MONDO:0010607, OMIM 306955.

Submission:

Institute of Human Genetics, University of Leipzig Medical Center
Classification: Uncertain significance for Heterotaxy, visceral, 1, X-linked. Last evaluated: 2025-01-07. Review status: criteria provided, single submitter. Criteria: ACMG Guidelines, 2015. Collection method: clinical testing. Allele origin: maternal. Inheritance: X-linked recessive inheritance. Affected: yes.
Comment: Criteria applied: PVS1_MOD,PM2_SUP

NM_001330661.1(ZIC3):c.1342del (p.Ala448fs)

Gene: ZIC3 (Zic family zinc finger 3; plus strand). Cytogenetic location: Xq26.3.
Variant type: Deletion.
Coding change: c.1342del on transcript NM_001330661.1; coding-DNA position 1342, one base deleted (G; older notation c.1342delG).
Protein change: p.Ala448fs; shifts the reading frame from alanine 448.
Molecular consequence: frameshift variant.
Genome position (GRCh38, 1-based): chrX:137,577,239, G deleted. VCF-style (leftmost placement, unchanged base first): chrX-137577238-TG-T. GRCh37 (hg19) VCF-style: chrX-136659397-TG-T.
Other names: short protein forms A448fs.
Identifiers: ClinVar variation 3773650 (VCV003773650.4).